The following is an entry in ClinVar:

ClinVar aggregate classification (germline): Conflicting classifications of pathogenicity. Review status: criteria provided, conflicting classifications (1 of 4 stars). 3 submissions from 3 submitters: Uncertain significance (1); Benign (1); Likely benign (1). Last evaluated 2025-12-29.

Submissions (3):

Labcorp Genetics (formerly Invitae), Labcorp
Classification: Likely benign. Last evaluated: 2025-12-29. Review status: criteria provided, single submitter. Criteria: Invitae Variant Classification Sherloc (09022015). Collection method: clinical testing. Allele origin: germline.

Mayo Clinic Laboratories, Mayo Clinic
Classification: Uncertain significance. Last evaluated: 2023-09-27. Review status: criteria provided, single submitter. Criteria: ACMG Guidelines, 2015. Collection method: clinical testing. Allele origin: germline. Observed: 1 variant allele.
Comment: BS1, PM4

GeneDx
Classification: Benign. Last evaluated: 2016-08-03. Review status: criteria provided, single submitter. Criteria: GeneDx Variant Classification (06012015). Collection method: clinical testing. Allele origin: germline. Affected: yes.
Comment: This variant is considered likely benign or benign based on one or more of the following criteria: it is a conservative change, it occurs at a poorly conserved position in the protein, it is predicted to be benign by multiple in silico algorithms, and/or has population frequency not consistent with disease.

NM_152268.4(PARS2):c.103AGA[1] (p.Arg36del)

Gene: PARS2 (prolyl-tRNA synthetase 2, mitochondrial; minus strand). Cytogenetic location: 1p32.3.
Variant type: Microsatellite.
Coding change: c.103AGA[1] on transcript NM_152268.4 (MANE Select); one copy of the 3-base unit AGA starting at c.103; the reference has two copies in a row; one copy, 3 bases deleted; also written c.106_108del.
Protein change: p.Arg36del; deletes arginine 36.
Molecular consequence: inframe deletion.
Genome position (GRCh38, 1-based): chr1:54,759,054-54,759,056, TCT deleted on the plus strand (AGA on the coding strand, the reverse complement: PARS2 is on the minus strand); deleting any 3 consecutive bases within chr1:54,759,054-54,759,060 gives the same sequence; the position shown is the placement nearest the transcript's 3' end. VCF-style (leftmost placement, unchanged base first): chr1-54759053-CTCT-C. GRCh37 (hg19) VCF-style: chr1-55224726-CTCT-C.
Other names: p.Arg36del; c.106_108del (NM_152268.4); short protein forms R36del.
Identifiers: ClinVar variation 420720 (VCV000420720.9), dbSNP rs751997497, ClinGen allele CA869551.